The following is an entry in ClinVar:

NM_001204.7(BMPR2):c.890A>G (p.Asp297Gly)

Gene: BMPR2 (bone morphogenetic protein receptor type 2; plus strand). Cytogenetic location: 2q33.2.
Variant type: single nucleotide variant.
Coding change: c.890A>G on transcript NM_001204.7 (MANE Select); coding-DNA position 890, A replaced by G.
Protein change: p.Asp297Gly; replaces aspartic acid 297 with glycine.
Molecular consequence: missense variant.
Genome position (GRCh38, 1-based): chr2:202,520,124, A>G. VCF-style: chr2-202520124-A-G. GRCh37 (hg19) VCF-style: chr2-203384847-A-G.
Other names: short protein forms D297G.
Identifiers: ClinVar variation 5033099 (VCV005033099.1).

ClinVar aggregate classification (germline): Uncertain significance (1 of 4 stars; one submission).

Conditions:
Inborn genetic diseases. Identifiers: MedGen C0950123, MeSH D030342.

Submission:

Ambry Genetics
Classification: Uncertain significance for Inborn genetic diseases. Last evaluated: 2026-07-25. Review status: criteria provided, single submitter. Criteria: Ambry Variant Classification Scheme 2023. Collection method: clinical testing. Allele origin: germline.
Comment: The p.D297G variant (also known as c.890A>G), located in coding exon 7 of the BMPR2 gene, results from an A to G substitution at nucleotide position 890. The aspartic acid at codon 297 is replaced by glycine, an amino acid with similar properties. This amino acid position is conserved. In addition, this alteration is predicted to be deleterious by in silico analysis. Based on the available evidence, the clinical significance of this variant remains unclear.